The following is an entry in ClinVar:

NM_001267550.2(TTN):c.11312-4519C>T

Gene: TTN (titin; minus strand). Cytogenetic location: 2q31.2.
Variant type: single nucleotide variant.
Coding change: c.11312-4519C>T on transcript NM_001267550.2 (MANE Select); 4519 bases into the intron before coding-DNA position 11312, C replaced by T.
Molecular consequence: intron variant. On other transcripts: synonymous variant (1).
Genome position (GRCh38, 1-based): chr2:178,746,440, G>A on the plus strand (C>T on the coding strand, the complement: TTN is on the minus strand). VCF-style: chr2-178746440-G-A. GRCh37 (hg19) VCF-style: chr2-179611167-G-A.
Other names: c.15960C>T, p.Asp5320= (NM_133379.5); c.10223-4519C>T (NM_003319.4); c.10799-4519C>T (NM_133437.4); c.10598-4519C>T (NM_133432.3); c.10360+6684C>T (NM_133378.4); c.10361-4519C>T (NM_001256850.1).
Identifiers: ClinVar variation 4873071 (VCV004873071.2).

ClinVar aggregate classification (germline): Likely benign (1 of 4 stars; one submission).

gnomAD v4.1: 8 of 1,611,432 alleles (0.0005%); highest among the groups gnomAD compares: Admixed American, 0.0084%; no homozygotes.

Submission:

CeGaT Center for Human Genetics Tuebingen
Classification: Likely benign. Last evaluated: 2026-06-01. Review status: criteria provided, single submitter. Criteria: CeGaT Center For Human Genetics Tuebingen Variant Classification Criteria Version 2. Collection method: clinical testing. Allele origin: germline. Affected: yes. Observed: 1 variant allele.
Comment: TTN: BP4, BP7